The following is an entry in ClinVar:

NM_001361.5(DHODH):c.*1088T>C

Gene: DHODH (dihydroorotate dehydrogenase (quinone); plus strand). Cytogenetic location: 16q22.2.
Variant type: single nucleotide variant.
Coding change: c.*1088T>C on transcript NM_001361.5 (MANE Select); 1088 bases downstream of the stop codon, T replaced by C.
Molecular consequence: 3 prime UTR variant.
Genome position (GRCh38, 1-based): chr16:72,025,287, T>C. VCF-style: chr16-72025287-T-C. GRCh37 (hg19) VCF-style: chr16-72059186-T-C.
Identifiers: ClinVar variation 320460 (VCV000320460.5), dbSNP rs567852382, ClinGen allele CA10644213.

ClinVar aggregate classification (germline): Likely benign (1 of 4 stars; one submission).

Conditions:
Miller syndrome (POADS). Also called: GENEE-WIEDEMANN SYNDROME; Genee-Wiedemann acrofacial dysostosis. Identifiers: Orphanet 246, MedGen C0265257, MONDO:0009903, OMIM 263750.

Allele frequency attached by ClinVar (database versions not stated): 1000 Genomes Project 0.00060; 1000 Genomes Project 30x 0.00062; gnomAD 0.00063 and 0.00065; TOPMed 0.00066.

Submission:

Illumina Laboratory Services, Illumina
Classification: Likely benign for Miller syndrome. Last evaluated: 2018-01-13. Review status: criteria provided, single submitter. Criteria: ICSL Variant Classification Criteria 13 December 2019. Collection method: clinical testing. Allele origin: germline.
Comment: This variant was observed in the ICSL laboratory as part of a predisposition screen in an ostensibly healthy population. It had not been previously curated by ICSL or reported in the Human Gene Mutation Database (HGMD: prior to June 1st, 2018), and was therefore a candidate for classification through an automated scoring system. Utilizing variant allele frequency, disease prevalence and penetrance estimates, and inheritance mode, an automated score was calculated to assess if this variant is too frequent to cause the disease. Based on the score and internal cut-off values, a variant classified as likely benign is not then subjected to further curation. The score for this variant resulted in a classification of likely benign for this disease.